The following is an entry in ClinVar:

NM_000219.6(KCNE1):c.384C>G (p.Ser128=)

Gene: KCNE1 (potassium voltage-gated channel subfamily E regulatory subunit 1; minus strand). Cytogenetic location: 21q22.12.
Variant type: single nucleotide variant.
Coding change: c.384C>G on transcript NM_000219.6 (MANE Select); coding-DNA position 384, C replaced by G.
Protein change: p.Ser128=; no amino-acid change (serine 128 retained).
Molecular consequence: synonymous variant.
Genome position (GRCh38, 1-based): chr21:34,449,251, G>C on the plus strand (C>G on the coding strand, the complement: KCNE1 is on the minus strand). VCF-style: chr21-34449251-G-C. GRCh37 (hg19) VCF-style: chr21-35821549-G-C.
Other names: c.384C>G, p.Ser128= (NM_001127668.4, NM_001127669.4, NM_001127670.4 and 4 more transcripts).
Identifiers: ClinVar variation 3373877 (VCV003373877.2).
Genomic context (GRCh38, chr21:34,449,251, plus strand): 5'-TTAGAAAATCAGGTTGCCAGGCAGGATGTGTCCAGTTTTAGCCAGTGGTGGGGTTCATGG[G>C]GAAGGCTTCGTCTCAGGAAGGTGTGTGTTGGGTTGTTCTATGGCCAGATGGTTTTCAACG-3'
Protein context (NP_000210.2, residues 118-129): PNTHLPETKP[Ser128=]P

Conditions:
Long QT syndrome 5 (LQT5). Identifiers: Orphanet 101016, Orphanet 768, MedGen C1867904, MONDO:0013372, OMIM 613695.

Submission:

Roden Lab, Vanderbilt University Medical Center
No classification provided (evidence only). Condition: Long QT syndrome 5. Review status: no classification provided. Collection method: in vitro. Allele origin: not applicable. Functional consequence: Effect on ion channel function.
ClinVar note: "not provided" was previously submitted as the classification for the variant. However, the classification appeared to be based only on an observation of functional data so it was converted to no classification on 2025-07-30.